The following is an entry in ClinVar:

NM_000038.6(APC):c.8474C>G (p.Ser2825Cys)

Gene: APC (APC regulator of Wnt signaling pathway; plus strand). Cytogenetic location: 5q22.2.
Variant type: single nucleotide variant.
Coding change: c.8474C>G on transcript NM_000038.6 (MANE Select); coding-DNA position 8474, C replaced by G.
Protein change: p.Ser2825Cys; replaces serine 2825 with cysteine.
Molecular consequence: missense variant. On other transcripts: non-coding transcript variant (2).
Genome position (GRCh38, 1-based): chr5:112,844,068, C>G. VCF-style: chr5-112844068-C-G. GRCh37 (hg19) VCF-style: chr5-112179765-C-G.
Other names: c.8474C>G, p.Ser2825Cys (NM_001127510.3, NM_001354895.2, NM_001407450.1); c.8420C>G, p.Ser2807Cys (NM_001127511.3); c.8528C>G, p.Ser2843Cys (NM_001354896.2, NM_001407448.1, NM_001407447.1 and 1 more transcripts); c.8504C>G, p.Ser2835Cys (NM_001354897.2); c.7625C>G, p.Ser2542Cys (NM_001354906.2, NM_001407470.1); c.8558C>G, p.Ser2853Cys (NM_001407446.1); c.8096C>G, p.Ser2699Cys (NM_001354904.2); c.7994C>G, p.Ser2665Cys (NM_001354905.2); and 11 more; short protein forms S2665C, S2696C, S2724C, S2807C, S2818C, S2825C, S2734C, S2843C.
Identifiers: ClinVar variation 2700268 (VCV002700268.3), dbSNP rs1766757144, ClinGen allele CA16039716.

ClinVar aggregate classification (germline): Uncertain significance (1 of 4 stars; one submission).

Conditions:
Familial adenomatous polyposis 1 (FAP1). Also called: FAMILIAL ADENOMATOUS POLYPOSIS 1, ATTENUATED; POLYPOSIS, ADENOMATOUS INTESTINAL. Identifiers: MedGen C2713442, MONDO:0021056, OMIM 175100. Disease mechanism: loss of function.

Submission:

Labcorp Genetics (formerly Invitae), Labcorp
Classification: Uncertain significance for Familial adenomatous polyposis 1. Last evaluated: 2023-12-01. Review status: criteria provided, single submitter. Criteria: Invitae Variant Classification Sherloc (09022015). Collection method: clinical testing. Allele origin: germline.
Comment: This sequence change replaces serine, which is neutral and polar, with cysteine, which is neutral and slightly polar, at codon 2825 of the APC protein (p.Ser2825Cys). This variant is not present in population databases (gnomAD no frequency). This variant has not been reported in the literature in individuals affected with APC-related conditions. Advanced modeling of protein sequence and biophysical properties (such as structural, functional, and spatial information, amino acid conservation, physicochemical variation, residue mobility, and thermodynamic stability) performed at Invitae indicates that this missense variant is not expected to disrupt APC protein function with a negative predictive value of 95%. In summary, the available evidence is currently insufficient to determine the role of this variant in disease. Therefore, it has been classified as a Variant of Uncertain Significance.